The following is an entry in ClinVar:

NM_182493.3(MYLK3):c.792G>T (p.Leu264Phe)

Gene: MYLK3 (myosin light chain kinase 3; minus strand). Cytogenetic location: 16q11.2.
Variant type: single nucleotide variant.
Coding change: c.792G>T on transcript NM_182493.3 (MANE Select); coding-DNA position 792, G replaced by T.
Protein change: p.Leu264Phe; replaces leucine 264 with phenylalanine.
Molecular consequence: missense variant. On other transcripts: intron variant (1).
Genome position (GRCh38, 1-based): chr16:46,737,920, C>A on the plus strand (G>T on the coding strand, the complement: MYLK3 is on the minus strand). VCF-style: chr16-46737920-C-A. GRCh37 (hg19) VCF-style: chr16-46771832-C-A.
Other names: c.-23+2137G>T (NM_001308301.1); c.792G>T (NM_182493.2); short protein forms L264F.
Identifiers: ClinVar variation 1387138 (VCV001387138.7), dbSNP rs779895628, ClinGen allele CA8038143.
Genomic context (GRCh38, chr16:46,737,920, plus strand): 5'-TGCACCTGGTGCAACCTCCAGGCTCGGGGAGACCACATTGACCCTGCCGGGTGCTGGAGC[C>A]AATTCCAGGCCAGTCCTGAGGTTCTCGCTGGGTGTCTCAGGAGCCTTGGCTTCCACCTTT-3'
Protein context (NP_872299.2, residues 254-274): PSENLRTGLE[Leu264Phe]APAPGRVNVV

ClinVar aggregate classification (germline): Uncertain significance. Review status: criteria provided, multiple submitters, no conflicts (2 of 4 stars). 2 submissions from 2 submitters: Uncertain significance (2). Last evaluated 2026-01-27.

Allele frequency attached by ClinVar (database versions not stated): ExAC 0.00003; gnomAD exomes 0.00004 and 0.00005; gnomAD 0.00005 and 0.00006; TOPMed 0.00005.
gnomAD v4.1: 77 of 1,614,068 alleles (0.0048%); highest among the groups gnomAD compares: Non-Finnish European, 0.0064%; no homozygotes.

Submissions (2):

Labcorp Genetics (formerly Invitae), Labcorp
Classification: Uncertain significance. Last evaluated: 2026-01-27. Review status: criteria provided, single submitter. Criteria: Invitae Variant Classification Sherloc (09022015). Collection method: clinical testing. Allele origin: germline.
Comment: This sequence change replaces leucine, which is neutral and non-polar, with phenylalanine, which is neutral and non-polar, at codon 264 of the MYLK3 protein (p.Leu264Phe). This variant is present in population databases (rs779895628, gnomAD 0.008%). This variant has not been reported in the literature in individuals affected with MYLK3-related conditions. ClinVar contains an entry for this variant (Variation ID: 1387138). An algorithm developed to predict the effect of missense changes on protein structure and function (PolyPhen-2) suggests that this variant is likely to be tolerated. In summary, the available evidence is currently insufficient to determine the role of this variant in disease. Therefore, it has been classified as a Variant of Uncertain Significance.

Ambry Genetics
Classification: Uncertain significance. Last evaluated: 2025-07-31. Review status: criteria provided, single submitter. Criteria: Ambry Variant Classification Scheme 2023. Collection method: clinical testing. Allele origin: germline.